The following is an entry in ClinVar:

NM_002834.5(PTPN11):c.1505C>T (p.Ser502Leu)

Gene: PTPN11 (protein tyrosine phosphatase non-receptor type 11; plus strand). Cytogenetic location: 12q24.13.
Variant type: single nucleotide variant.
Coding change: c.1505C>T on transcript NM_002834.5 (MANE Select); coding-DNA position 1505, C replaced by T.
Protein change: p.Ser502Leu; replaces serine 502 with leucine.
Molecular consequence: missense variant.
Genome position (GRCh38, 1-based): chr12:112,489,081, C>T. VCF-style: chr12-112489081-C-T. GRCh37 (hg19) VCF-style: chr12-112926885-C-T.
Other names: p.S502L:TCA>TTA; NM_002834.5(PTPN11):c.1505C>T; c.1517C>T, p.Ser506Leu (NM_001330437.2); c.1502C>T, p.Ser501Leu (NM_001374625.1); short protein forms S502L, S506L, S501L.
Identifiers: ClinVar variation 40557 (VCV000040557.57), dbSNP rs397507544, ClinGen allele CA261552.

ClinVar aggregate classification (germline): Pathogenic. Review status: criteria provided, multiple submitters, no conflicts (2 of 4 stars). 14 submissions from 14 submitters: Pathogenic (11). 3 of the submissions do not count toward it. Last evaluated 2026-03-02.
ClinVar aggregate classification (somatic clinical impact): Tier II - Potential (1 of 4 stars; one submission).

Conditions:
PTPN11-related disorder. Also called: PTPN11-Related Disorders.
RASopathy. Also called: rasopathies; Noonan spectrum disorder. Identifiers: Orphanet 536391, MedGen C5555857, MONDO:0021060.
Noonan syndrome (NS). Also called: Noonan's syndrome. Identifiers: Orphanet 648, MedGen C0028326, MeSH D009634, MONDO:0018997. Disease mechanism: gain of function.
Noonan syndrome 1 (NS1). Also called: TURNER PHENOTYPE WITH NORMAL KARYOTYPE; PTPN11-Related Noonan Syndrome; FEMALE PSEUDO-TURNER SYNDROME. Identifiers: Orphanet 648, MedGen C4551602, MONDO:0008104, OMIM 163950. Disease mechanism: gain of function.
Diffuse midline glioma, H3 K27M-mutant. Identifiers: MedGen C4289688, MONDO:0957196.

Submissions 1 to 8 of 15:

Broad Center for Mendelian Genomics, Broad Institute of MIT and Harvard
Classification: Pathogenic for Noonan syndrome 1. Last evaluated: 2026-03-02. Review status: criteria provided, single submitter. Criteria: ACMG Guidelines, 2015. Collection method: research. Allele origin: germline. Inheritance: Autosomal dominant inheritance.
Comment: The p.Ser502Leu variant in PTPN11 has been reported in more than 6 individuals with Noonan syndrome 1 (PMID 32164556, 26918529, 29907801), and was absent from large population studies. This variant has also been reported in ClinVar (Variation ID: 40557) and has been interpreted as pathogenic by several labs. This variant is assumed de novo in at least 1 individual, but maternity and paternity have not been confirmed (PMID: 22465605). The number of reported affected individuals with this variant is greater than expected compared to non-affected individuals with this variant. Computational prediction tools and conservation analyses suggest that this variant may impact the protein, though this information is not predictive enough to determine pathogenicity. The number of missense variants reported in PTPN11 in the general population is lower than expected, suggesting there is little benign variation in this gene and slightly increasing the possibility that a missense variant in this gene may not be tolerated. The p.Ser502Leu variant is located in a region of PTPN11 that is essential to protein folding and stability, suggesting that this variant is in a hot spot and slightly supports pathogenicity (PMID: 17053061). Two additional pathogenic variants, resulting in a different amino acid change at the same position, Ser502Ala and Ser502Thr, have been reported in association with disease in ClinVar, further supporting that a change at this position may not be tolerated (Variation ID: 40556, 13332). In summary, this variant meets criteria to be classified as pathogenic for autosomal dominant Noonan syndrome 1. ACMG/AMP Criteria applied: PS4, PM1, PP2, PP3, PM2_supporting, PS2_supporting (Richards 2015).

Victorian Clinical Genetics Services, Murdoch Childrens Research Institute
Classification: Pathogenic for Noonan syndrome 1. Last evaluated: 2026-02-23. Review status: criteria provided, single submitter. Criteria: ACMG Guidelines, 2015. Collection method: clinical testing. Allele origin: germline. Affected: yes.
Comment: This variant is classified as Pathogenic. Evidence in support of pathogenic classification: Variant is absent from gnomAD (v2, v3 and v4); This variant has strong previous evidence of pathogenicity in unrelated individuals. This variant has been classified as pathogenic by clinical laboratories in ClinVar, and reported in the literature in multiple individuals with Noonan syndrome (PMIDs: 18470943, 11992261, 28084675, 32164556); Other missense variants comparable to the one identified in this case have very strong previous evidence for pathogenicity. p.(Ser502Ala) and p.(Ser502Thr) have been classified as pathogenic by clinical laboratories in ClinVar and reported in the literature in individuals with Noonan syndrome (PMIDs: 18470943, 11992261); Variant is located in a hotspot region or cluster of pathogenic variants (DECIPHER); Missense variant predicted to be damaging by in silico tool(s) or highly conserved with a major amino acid change. Additional information: Variant is predicted to result in a missense amino acid change from serine to leucine; This variant is heterozygous; This gene is associated with autosomal dominant disease; Both loss of function and gain of function are known mechanisms of disease for this gene. Metachondromatosis (MIM#156250) and Noonan syndrome with multiple lentigines (MIM#151100) have been associated with loss of function variants, whereas Noonan syndrome 1 (MIM#163950) is caused by gain of function variants (PMIDs: 11992261, 24935154, 21533187; ClinGen expert panel); Inheritance information for this variant is not currently available in this individual.

Variantyx, Inc.
Classification: Pathogenic for Noonan syndrome 1. Last evaluated: 2025-12-16. Review status: criteria provided, single submitter. Criteria: Variantyx Assertion Criteria 2022. Collection method: clinical testing. Allele origin: de novo. Inheritance: Autosomal dominant inheritance. Affected: yes.
Comment: This is a nonsynonymous variant in the PTPN11 gene (OMIM: 176876). Pathogenic variants in this gene have been associated with autosomal dominant Noonan syndrome 1. This variant has been reported in at least two affected individuals (PMID: 17020470, 19020799) (PS4). Alternate amino acid changes at this position (p.Ser502Thr, p.Ser502Ala) have been previously reported in similarly affected individuals, which suggests that this residue is biologically important (PMID: 12325025, 32164556, 15928039, 26242988) (PM5_Strong), and multiple computational algorithms predict a deleterious effect for this variant (REVEL score: 0.976) (PP3). This variant is absent from control populations(PM2). Based on the evidence, this variant is classified as pathogenic for autosomal dominant Noonan syndrome 1.

Labcorp Genetics (formerly Invitae), Labcorp
Classification: Pathogenic for RASopathy. Last evaluated: 2025-09-01. Review status: criteria provided, single submitter. Criteria: Invitae Variant Classification Sherloc (09022015). Collection method: clinical testing. Allele origin: germline.
Comment: This sequence change replaces serine, which is neutral and polar, with leucine, which is neutral and non-polar, at codon 502 of the PTPN11 protein (p.Ser502Leu). This variant is not present in population databases (gnomAD no frequency). This missense change has been observed in individual(s) with Noonan syndrome or LEOPARD syndrome (PMID: 17020470, 19020799, 31941532). In at least one individual the variant was observed to be de novo. ClinVar contains an entry for this variant (Variation ID: 40557). Invitae Evidence Modeling of protein sequence and biophysical properties (such as structural, functional, and spatial information, amino acid conservation, physicochemical variation, residue mobility, and thermodynamic stability) has been performed for this missense variant. However, the output from this modeling did not meet the statistical confidence thresholds required to predict the impact of this variant on PTPN11 protein function. This variant disrupts the p.Ser502 amino acid residue in PTPN11. Other variant(s) that disrupt this residue have been determined to be pathogenic (PMID: 12325025, 15928039, 18470943, 23832011, 26242988, 27521173). This suggests that this residue is clinically significant, and that variants that disrupt this residue are likely to be disease-causing. For these reasons, this variant has been classified as Pathogenic.

CeGaT Center for Human Genetics Tuebingen
Classification: Pathogenic. Last evaluated: 2023-08-01. Review status: criteria provided, single submitter. Criteria: CeGaT Center For Human Genetics Tuebingen Variant Classification Criteria Version 2. Collection method: clinical testing. Allele origin: germline. Affected: yes. Observed: 1 variant allele.
Comment: PTPN11: PS2:Very Strong, PM2, PM5, PP3

Institute for Genomic Medicine (IGM) Clinical Laboratory, Nationwide Children's Hospital
Classification: Tier II - Potential for Diffuse midline glioma, H3 K27M-mutant. Assertion type: diagnostic. Clinical significance: supports diagnosis. Last evaluated: 2023-03-14. Review status: criteria provided, single submitter. Criteria: AMP/ASCO/CAP Guidelines, 2017. Collection method: clinical testing. Allele origin: somatic. Affected: yes.
Comment: Variant has Tier II (potential) clinical significance as a diagnostic inclusion criterion in diffuse midline glioma, H3 K27M-mutant, based on the following evidence: 1) Documented in one or more cancer databases (e.g., St. Jude Pecan, COSMIC, CIViC, OncoKB). 2) Information in the literature supports potential biologic effect of variant (PMIDs: 15834506, 27030275). 3) Diagnostic significance based on multiple small studies (Evidence Level C; PMIDs: 28966033, 29763623, 28912153, 35697228).

GeneDx
Classification: Pathogenic. Last evaluated: 2022-05-18. Review status: criteria provided, single submitter. Criteria: GeneDx Variant Classification Process June 2021. Collection method: clinical testing. Allele origin: germline. Affected: yes.
Comment: Not observed in large population cohorts (gnomAD); In silico analysis supports that this missense variant has a deleterious effect on protein structure/function; Missense variants in this gene are often considered pathogenic (HGMD); This variant is associated with the following publications: (PMID: 28628100, 28084675, 24030381, 18948947, 17910045, 15385933, 28183348, 26918529, 18470943, 17020470, 16358218, 19020799, 24803665, 28991257, 30050098, 30287924, 29907801, 32164556, 31115076, 33318624, 29493581, 32368696)

Department of Maternal-Fetal Biology, National Research Institute for Child Health and Development
Classification: Pathogenic for Noonan syndrome 1. Last evaluated: 2022-01-01. Review status: criteria provided, single submitter. Criteria: ACMG Guidelines, 2015. Collection method: research. Allele origin: de novo. Affected: yes. Observed: 1 variant allele.